The following is an entry in ClinVar:

ClinVar aggregate classification (germline): Uncertain significance. Review status: criteria provided, multiple submitters, no conflicts (2 of 4 stars). 4 submissions from 4 submitters: Uncertain significance (4). Last evaluated 2025-12-18.

Conditions:
Juvenile onset Parkinson disease 19A. Also called: PARK19; DNAJC6 Parkinson Disease. Identifiers: Orphanet 391411, MedGen C3809811, MONDO:0014231, OMIM 615528.

Allele frequency attached by ClinVar (database versions not stated): ESP Exome Variant Server 0.00015; TOPMed 0.00024.
gnomAD v4.1: 403 of 1,609,312 alleles (0.025%); highest among the groups gnomAD compares: Non-Finnish European, 0.029%; no homozygotes.

Submissions (4):

Labcorp Genetics (formerly Invitae), Labcorp
Classification: Uncertain significance for Juvenile onset Parkinson disease 19A. Last evaluated: 2025-12-18. Review status: criteria provided, single submitter. Criteria: Invitae Variant Classification Sherloc (09022015). Collection method: clinical testing. Allele origin: germline.
Comment: This sequence change replaces histidine, which is basic and polar, with proline, which is neutral and non-polar, at codon 606 of the DNAJC6 protein (p.His606Pro). This variant is present in population databases (rs199937139, gnomAD 0.08%). This variant has not been reported in the literature in individuals affected with DNAJC6-related conditions. ClinVar contains an entry for this variant (Variation ID: 623688). An algorithm developed to predict the effect of missense changes on protein structure and function (PolyPhen-2) suggests that this variant is likely to be tolerated. In summary, the available evidence is currently insufficient to determine the role of this variant in disease. Therefore, it has been classified as a Variant of Uncertain Significance.

CeGaT Center for Human Genetics Tuebingen
Classification: Uncertain significance. Last evaluated: 2025-11-01. Review status: criteria provided, single submitter. Criteria: CeGaT Center For Human Genetics Tuebingen Variant Classification Criteria Version 2. Collection method: clinical testing. Allele origin: germline. Affected: yes. Observed: 2 variant alleles.
Comment: DNAJC6: PM2

Genome-Nilou Lab
Classification: Uncertain significance for Juvenile onset Parkinson disease 19A. Last evaluated: 2023-04-11. Review status: criteria provided, single submitter. Criteria: ACMG Guidelines, 2015. Collection method: clinical testing. Allele origin: germline. Affected: no.

Breakthrough Genomics
Classification: Uncertain significance. Review status: criteria provided, single submitter. Criteria: ACMG Guidelines, 2015. Collection method: not provided. Allele origin: germline. Inheritance: Autosomal recessive inheritance. Affected: yes.

NM_001256864.2(DNAJC6):c.1817A>C (p.His606Pro)

Gene: DNAJC6 (DnaJ heat shock protein family (Hsp40) member C6; plus strand). Cytogenetic location: 1p31.3.
Variant type: single nucleotide variant.
Coding change: c.1817A>C on transcript NM_001256864.2 (MANE Select); coding-DNA position 1817, A replaced by C.
Protein change: p.His606Pro; replaces histidine 606 with proline.
Molecular consequence: missense variant.
Genome position (GRCh38, 1-based): chr1:65,392,779, A>C. VCF-style: chr1-65392779-A-C. GRCh37 (hg19) VCF-style: chr1-65858462-A-C.
Other names: c.1607A>C, p.His536Pro (NM_001256865.2); c.1646A>C, p.His549Pro (NM_014787.4); short protein forms H536P, H606P, H549P.
Identifiers: ClinVar variation 623688 (VCV000623688.49), dbSNP rs199937139, ClinGen allele CA894001.